The following is an entry in ClinVar:

NM_001031623.3(ZNF451):c.2103T>G (p.Thr701=)

Genes: ZNF451 (zinc finger protein 451; plus strand), ZNF451-AS1 (ZNF451 regulatory antisense RNA 1; minus strand). Cytogenetic location: 6p12.1.
Variant type: single nucleotide variant.
Coding change: c.2103T>G on transcript NM_001031623.3 (MANE Select); coding-DNA position 2103, T replaced by G.
Protein change: p.Thr701=; no amino-acid change (threonine 701 retained).
Molecular consequence: synonymous variant.
Genome position (GRCh38, 1-based): chr6:57,148,188, T>G. VCF-style: chr6-57148188-T-G. GRCh37 (hg19) VCF-style: chr6-57012986-T-G.
Other names: c.2103T>G, p.Thr701= (NM_015555.3).
Identifiers: ClinVar variation 2656682 (VCV002656682.24), dbSNP rs111264601, ClinGen allele CA3873297.
Genomic context (GRCh38, chr6:57,148,188, plus strand): 5'-ATTTCTGAGTCATTATGAGGAGCACCACAGCATAGATTATGTATTTGTGTCAGAAAAAAC[T>G]GAAACTTCAATTAAAACCGAAGATGATTTTCCAGTAATAGAGACCAGTAACCAGTTAACT-3'
Protein context (NP_001026794.1, residues 691-711): SIDYVFVSEK[Thr701=]ETSIKTEDDF

ClinVar aggregate classification (germline): Likely benign (1 of 4 stars; one submission).

Allele frequency attached by ClinVar (database versions not stated): 1000 Genomes Project 30x 0.00016; 1000 Genomes Project 0.00020; gnomAD 0.00174; TOPMed 0.00198; ExAC 0.00216; gnomAD exomes 0.00229; ESP Exome Variant Server 0.00261.
gnomAD v4.1: 3,728 of 1,614,046 alleles (0.23%); highest among the groups gnomAD compares: Middle Eastern, 0.35%; 22 homozygotes.

Submission:

CeGaT Center for Human Genetics Tuebingen
Classification: Likely benign. Last evaluated: 2022-12-01. Review status: criteria provided, single submitter. Criteria: CeGaT Center For Human Genetics Tuebingen Variant Classification Criteria Version 2. Collection method: clinical testing. Allele origin: germline. Affected: yes. Observed: 1 variant allele.
Comment: ZNF451: BP4, BP7